The following is an entry in ClinVar:

NM_032447.5(FBN3):c.8183C>T (p.Pro2728Leu)

Gene: FBN3 (fibrillin 3; minus strand). Cytogenetic location: 19p13.2.
Variant type: single nucleotide variant.
Coding change: c.8183C>T on transcript NM_032447.5 (MANE Select); coding-DNA position 8183, C replaced by T.
Protein change: p.Pro2728Leu; replaces proline 2728 with leucine.
Molecular consequence: missense variant.
Genome position (GRCh38, 1-based): chr19:8,066,166, G>A on the plus strand (C>T on the coding strand, the complement: FBN3 is on the minus strand). VCF-style: chr19-8066166-G-A. GRCh37 (hg19) VCF-style: chr19-8131050-G-A.
Other names: c.8183C>T, p.Pro2728Leu (NM_001321431.2); c.8183C>T (NM_001321431.1, NM_032447.3); short protein forms P2728L.
Identifiers: ClinVar variation 719786 (VCV000719786.11), dbSNP rs143150244, ClinGen allele CA9150607.

ClinVar aggregate classification (germline): Conflicting classifications of pathogenicity. Review status: criteria provided, conflicting classifications (1 of 4 stars). 3 submissions from 3 submitters: Uncertain significance (1); Likely benign (1). 1 of the submissions does not count toward it. Last evaluated 2026-01-24.

Conditions:
FBN3-related disorder. Also called: FBN3-related condition.

Allele frequency attached by ClinVar (database versions not stated): 1000 Genomes Project 30x 0.00078; 1000 Genomes Project 0.00080; ESP Exome Variant Server 0.00139; gnomAD 0.00188 and 0.00201; TOPMed 0.00204.
gnomAD v4.1: 590 of 1,612,876 alleles (0.037%); highest among the groups gnomAD compares: African/African-American, 0.66%; 5 homozygotes.

Submissions (3):

Labcorp Genetics (formerly Invitae), Labcorp
Classification: Likely benign. Last evaluated: 2026-01-24. Review status: criteria provided, single submitter. Criteria: Invitae Variant Classification Sherloc (09022015). Collection method: clinical testing. Allele origin: germline.

Ambry Genetics
Classification: Uncertain significance. Last evaluated: 2025-08-04. Review status: criteria provided, single submitter. Criteria: Ambry Variant Classification Scheme 2023. Collection method: clinical testing. Allele origin: germline.

PreventionGenetics, part of Exact Sciences
Classification: Benign for FBN3-related condition. Last evaluated: 2019-08-06. Review status: no assertion criteria provided. Collection method: clinical testing. Allele origin: germline. Not counted in ClinVar's aggregate classification.
Comment: This variant is classified as benign based on ACMG/AMP sequence variant interpretation guidelines (Richards et al. 2015 PMID: 25741868, with internal and published modifications).